The following is an entry in ClinVar:

ClinVar aggregate classification (germline): Uncertain significance (1 of 4 stars; one submission).

Allele frequency attached by ClinVar (database versions not stated): gnomAD 0.00004; ExAC 0.00005; TOPMed 0.00007; ESP Exome Variant Server 0.00008; 1000 Genomes Project 30x 0.00016; 1000 Genomes Project 0.00020.
gnomAD v4.1: 35 of 1,613,198 alleles (0.0022%); highest among the groups gnomAD compares: Middle Eastern, 0.017%; no homozygotes.

Submission:

Labcorp Genetics (formerly Invitae), Labcorp
Classification: Uncertain significance. Last evaluated: 2022-08-06. Review status: criteria provided, single submitter. Criteria: Invitae Variant Classification Sherloc (09022015). Collection method: clinical testing. Allele origin: germline.
Comment: In summary, the available evidence is currently insufficient to determine the role of this variant in disease. Therefore, it has been classified as a Variant of Uncertain Significance. Algorithms developed to predict the effect of missense changes on protein structure and function output the following: SIFT: "Tolerated"; PolyPhen-2: "Benign"; Align-GVGD: "Class C0". The isoleucine amino acid residue is found in multiple mammalian species, which suggests that this missense change does not adversely affect protein function. This variant has not been reported in the literature in individuals affected with BPTF-related conditions. This variant is present in population databases (rs201199224, gnomAD 0.02%). This sequence change replaces valine, which is neutral and non-polar, with isoleucine, which is neutral and non-polar, at codon 1710 of the BPTF protein (p.Val1710Ile).

NM_182641.4(BPTF):c.4750G>A (p.Val1584Ile)

Gene: BPTF (bromodomain PHD finger transcription factor; plus strand). Cytogenetic location: 17q24.2.
Variant type: single nucleotide variant.
Coding change: c.4750G>A on transcript NM_182641.4 (MANE Select); coding-DNA position 4750, G replaced by A.
Protein change: p.Val1584Ile; replaces valine 1584 with isoleucine.
Molecular consequence: missense variant.
Genome position (GRCh38, 1-based): chr17:67,912,634, G>A. VCF-style: chr17-67912634-G-A. GRCh37 (hg19) VCF-style: chr17-65908750-G-A.
Other names: c.5128G>A, p.Val1710Ile (NM_004459.7); short protein forms V1584I, V1710I.
Identifiers: ClinVar variation 2419439 (VCV002419439.6), dbSNP rs201199224, ClinGen allele CA8725856.